The following is an entry in ClinVar:

ClinVar aggregate classification (germline): Uncertain significance (1 of 4 stars; one submission).

Conditions:
EGFR-related lung cancer (EGFR). Identifiers: MedGen CN130014.

Submission:

Labcorp Genetics (formerly Invitae), Labcorp
Classification: Uncertain significance for EGFR-related lung cancer. Last evaluated: 2020-11-10. Review status: criteria provided, single submitter. Criteria: Invitae Variant Classification Sherloc (09022015). Collection method: clinical testing. Allele origin: germline.
Comment: In summary, the available evidence is currently insufficient to determine the role of this variant in disease. Therefore, it has been classified as a Variant of Uncertain Significance. Algorithms developed to predict the effect of missense changes on protein structure and function are either unavailable or do not agree on the potential impact of this missense change (SIFT: "Tolerated"; PolyPhen-2: "Probably Damaging"; Align-GVGD: "Class C0"). This sequence change replaces glutamine with leucine at codon 235 of the EGFR protein (p.Gln235Leu). The glutamine residue is moderately conserved and there is a moderate physicochemical difference between glutamine and leucine. This variant has not been reported in the literature in individuals with EGFR-related conditions. This variant is not present in population databases (ExAC no frequency).

NM_005228.5(EGFR):c.704A>T (p.Gln235Leu)

Gene: EGFR (epidermal growth factor receptor; plus strand). Cytogenetic location: 7p11.2.
Variant type: single nucleotide variant.
Coding change: c.704A>T on transcript NM_005228.5 (MANE Select); coding-DNA position 704, A replaced by T.
Protein change: p.Gln235Leu; replaces glutamine 235 with leucine.
Molecular consequence: missense variant. On other transcripts: intron variant (1).
Genome position (GRCh38, 1-based): chr7:55,152,621, A>T. VCF-style: chr7-55152621-A-T. GRCh37 (hg19) VCF-style: chr7-55220314-A-T.
Other names: c.569A>T, p.Gln190Leu (NM_001346897.2, NM_001346899.2); c.704A>T, p.Gln235Leu (NM_001346898.2, NM_201282.2, NM_201283.2 and 1 more transcripts); c.545A>T, p.Gln182Leu (NM_001346900.2); c.89-3209A>T (NM_001346941.2); short protein forms Q235L, Q182L, Q190L.
Identifiers: ClinVar variation 1345657 (VCV001345657.8), dbSNP rs1040130291, ClinGen allele CA367577482.